The following is an entry in ClinVar:

NM_006080.3(SEMA3A):c.1952C>T (p.Ala651Val)

Gene: SEMA3A (semaphorin 3A; minus strand). Cytogenetic location: 7q21.11.
Variant type: single nucleotide variant.
Coding change: c.1952C>T on transcript NM_006080.3 (MANE Select); coding-DNA position 1952, C replaced by T.
Protein change: p.Ala651Val; replaces alanine 651 with valine.
Molecular consequence: missense variant.
Genome position (GRCh38, 1-based): chr7:83,961,735, G>A on the plus strand (C>T on the coding strand, the complement: SEMA3A is on the minus strand). VCF-style: chr7-83961735-G-A. GRCh37 (hg19) VCF-style: chr7-83591051-G-A.
Other names: short protein forms A651V.
Identifiers: ClinVar variation 3349024 (VCV003349024.1).
Genomic context (GRCh38, chr7:83,961,735, plus strand): 5'-TCTGTGTCAATGACTTCCAGGGTTACCTTAAGAAGAGTTTGTATGAACCCATGTTCCACC[G>A]CATGGCAGAGGTAATTGCCTGAATCCTTCTGTTGTAGACTACGTAGCAGAAGGCCTTGAT-3'
Protein context (NP_006071.1, residues 641-661): QKDSGNYLCH[Ala651Val]VEHGFIQTLL

ClinVar aggregate classification (germline): Uncertain significance (0 of 4 stars; one submission).

Conditions:
SEMA3A-related disorder. Also called: SEMA3A-related condition.

gnomAD v4.1: 60 of 1,613,718 alleles (0.0037%); highest among the groups gnomAD compares: African/African-American, 0.0067%; no homozygotes.

Submission:

PreventionGenetics, part of Exact Sciences
Classification: Uncertain significance for SEMA3A-related condition. Last evaluated: 2024-08-19. Review status: no assertion criteria provided. Collection method: clinical testing. Allele origin: germline.
Comment: The SEMA3A c.1952C>T variant is predicted to result in the amino acid substitution p.Ala651Val. To our knowledge, this variant has not been reported in the literature. This variant is reported in 0.0080% of alleles in individuals of African descent in gnomAD. At this time, the clinical significance of this variant is uncertain due to the absence of conclusive functional and genetic evidence.